The following is an entry in ClinVar:

NC_000002.11:g.(?_44548495)_(44586854_?)del

Gene: PREPL (prolyl endopeptidase like; minus strand). Cytogenetic location: 2p21.
Variant type: Deletion.
Identifiers: ClinVar variation 1459197 (VCV001459197.4).

ClinVar aggregate classification (germline): Pathogenic (1 of 4 stars; one submission).

Conditions:
Myasthenic syndrome, congenital, 22 (CMS22). Also called: PREPL DEFICIENCY. Identifiers: MedGen C4479088, MONDO:0044299, OMIM 616224.

Submission:

Labcorp Genetics (formerly Invitae), Labcorp
Classification: Pathogenic for Myasthenic syndrome, congenital, 22. Last evaluated: 2022-08-09. Review status: criteria provided, single submitter. Criteria: Invitae Variant Classification Sherloc (09022015). Collection method: clinical testing. Allele origin: germline.
Comment: A gross deletion of the genomic region encompassing the full coding sequence of the PREPL gene has been identified. If SLC3A1 has been tested and no copy number events are reported for it, then the 3' boundary of this event lies between the PREPL and SLC3A1 genes. This deletion is expected to alter mRNA translation or to result in a truncated or absent protein product. A similar copy number variant has been observed in individual(s) with PREPL deficiency (PMID: 28726805). In at least one individual the data is consistent with being in trans (on the opposite chromosome) from a pathogenic variant. For these reasons, this variant has been classified as Pathogenic.

Literature cited by the submitters: PubMed 28726805.